The following is an entry in ClinVar:

NM_001159699.2(FHL1):c.737-9del

Gene: FHL1 (four and a half LIM domains 1; plus strand). Cytogenetic location: Xq26.3.
Variant type: Deletion.
Coding change: c.737-9del on transcript NM_001159699.2 (MANE Select); 9 bases into the intron before coding-DNA position 737, one base deleted (T; older notation c.737-9delT).
Molecular consequence: intron variant.
Genome position (GRCh38, 1-based): chrX:136,209,862, T deleted; the last of 9 consecutive T bases (chrX:136,209,854-136,209,862); deleting any one gives the same sequence. VCF-style (leftmost placement, unchanged base first): chrX-136209853-CT-C. GRCh37 (hg19) VCF-style: chrX-135292012-CT-C.
Other names: c.889-9delT (NM_001159702.2, NM_001159702.3); c.889-9del (NM_001159702.3, NM_001369326.1, NM_001369327.2 and 1 more transcripts); c.689-9del (NM_001449.5, NM_001369329.1, NM_001369330.1 and 4 more transcripts); c.502-9del (NM_001159703.2); c.776-9del (NM_001159701.2); c.550-9del (NM_001330659.2).
Identifiers: ClinVar variation 288405 (VCV000288405.25), dbSNP rs374867802, ClinGen allele CA10525103.

ClinVar aggregate classification (germline): Conflicting classifications of pathogenicity. Review status: criteria provided, conflicting classifications (1 of 4 stars). 9 submissions from 9 submitters: Uncertain significance (1); Benign (1); Likely benign (5). 2 of the submissions do not count toward it. Last evaluated 2026-02-03.

Conditions:
FHL1-related disorder. Also called: FHL1-related condition; FHL1-related disorders.
X-linked myopathy with postural muscle atrophy. Also called: FHL1-Related Emery-Dreifuss Muscular Dystrophy, X-Linked. Identifiers: Orphanet 178461, MedGen C2678055, MONDO:0010401, OMIM 300696.

Submissions (9):

Labcorp Genetics (formerly Invitae), Labcorp
Classification: Benign for X-linked myopathy with postural muscle atrophy. Last evaluated: 2026-02-03. Review status: criteria provided, single submitter. Criteria: Invitae Variant Classification Sherloc (09022015). Collection method: clinical testing. Allele origin: germline.

PreventionGenetics, part of Exact Sciences
Classification: Likely benign for FHL1-related condition. Last evaluated: 2025-06-18. Review status: criteria provided, single submitter. Criteria: ACMG Guidelines, 2015. Collection method: clinical testing. Allele origin: germline.
Comment: This variant is classified as likely benign based on ACMG/AMP sequence variant interpretation guidelines (Richards et al. 2015 PMID: 25741868, with internal and published modifications).

ARUP Laboratories, Molecular Genetics and Genomics, ARUP Laboratories
Classification: Likely benign. Last evaluated: 2025-04-09. Review status: criteria provided, single submitter. Criteria: ARUP Molecular Germline Variant Investigation Process 2024. Collection method: clinical testing. Allele origin: germline.

Women's Health and Genetics/Laboratory Corporation of America, LabCorp
Classification: Likely benign. Last evaluated: 2025-03-24. Review status: criteria provided, single submitter. Criteria: LabCorp Variant Classification Summary - May 2015. Collection method: clinical testing. Allele origin: germline.
Comment: Variant summary: FHL1 c.889-9delT alters a non-conserved nucleotide located at a position not widely known to affect splicing. Consensus agreement among computation tools predict no significant impact on normal splicing. However, these predictions have yet to be confirmed by functional studies. The frequency data for this variant in gnomAD is considered unreliable, as metrics indicate poor data quality at this position. To our knowledge, no occurrence of c.889-9delT in individuals affected with Emery-Dreifuss Muscular Dystrophy and no experimental evidence demonstrating its impact on protein function have been reported. ClinVar contains an entry for this variant (Variation ID: 288405). Based on the evidence outlined above, the variant was classified as likely benign.

Blueprint Genetics
Classification: Likely benign. Last evaluated: 2024-11-07. Review status: criteria provided, single submitter. Criteria: ACMG Guidelines, 2015. Collection method: clinical testing. Allele origin: germline.

GeneDx
Classification: Likely benign. Last evaluated: 2023-10-31. Review status: criteria provided, single submitter. Criteria: GeneDx Variant Classification Process June 2021. Collection method: clinical testing. Allele origin: germline. Affected: yes.
Comment: See Variant Classification Assertion Criteria.

Eurofins Ntd Llc (ga)
Classification: Uncertain significance. Last evaluated: 2016-06-01. Review status: criteria provided, single submitter. Criteria: EGL Classification Definitions 2015. Collection method: clinical testing. Allele origin: germline. Observed: 1 variant allele, 1 heterozygote.

Clinical Genetics DNA and cytogenetics Diagnostics Lab, Erasmus MC, Erasmus Medical Center
Classification: Benign. Review status: no assertion criteria provided. Collection method: clinical testing. Allele origin: germline. Affected: yes. Study: VKGL Data-share Consensus. Not counted in ClinVar's aggregate classification.

Clinical Genetics, Academic Medical Center
Classification: Benign. Review status: no assertion criteria provided. Collection method: clinical testing. Allele origin: germline. Affected: yes. Study: VKGL Data-share Consensus. Not counted in ClinVar's aggregate classification.